The following is an entry in ClinVar:

NM_021076.4(NEFH):c.749C>T (p.Ala250Val)

Gene: NEFH (neurofilament heavy chain; plus strand). Cytogenetic location: 22q12.2.
Variant type: single nucleotide variant.
Coding change: c.749C>T on transcript NM_021076.4 (MANE Select); coding-DNA position 749, C replaced by T.
Protein change: p.Ala250Val; replaces alanine 250 with valine.
Molecular consequence: missense variant.
Genome position (GRCh38, 1-based): chr22:29,481,011, C>T. VCF-style: chr22-29481011-C-T. GRCh37 (hg19) VCF-style: chr22-29877000-C-T.
Other names: short protein forms A250V.
Identifiers: ClinVar variation 3003257 (VCV003003257.3), dbSNP rs1280925274, ClinGen allele CA411123912.
Genomic context (GRCh38, chr22:29,481,011, plus strand): 5'-TGCGGCGCCACCACCAGGAAGAGGTGGGCGAGCTGCTCGGCCAGATCCAGGGCTCCGGCG[C>T]CGCGCAGGCGCAGATGCAGGCCGAGACGCGCGACGCCCTGAAGTGCGACGTGACGTCGGC-3'
Protein context (NP_066554.2, residues 240-260): ELLGQIQGSG[Ala250Val]AQAQMQAETR

ClinVar aggregate classification (germline): Uncertain significance (1 of 4 stars; one submission).

Submission:

Labcorp Genetics (formerly Invitae), Labcorp
Classification: Uncertain significance. Last evaluated: 2023-05-14. Review status: criteria provided, single submitter. Criteria: Invitae Variant Classification Sherloc (09022015). Collection method: clinical testing. Allele origin: germline.
Comment: Advanced modeling of protein sequence and biophysical properties (such as structural, functional, and spatial information, amino acid conservation, physicochemical variation, residue mobility, and thermodynamic stability) performed at Invitae indicates that this missense variant is not expected to disrupt NEFH protein function. This variant has not been reported in the literature in individuals affected with NEFH-related conditions. The frequency data for this variant in the population databases is considered unreliable, as metrics indicate poor data quality at this position in the gnomAD database. This sequence change replaces alanine, which is neutral and non-polar, with valine, which is neutral and non-polar, at codon 250 of the NEFH protein (p.Ala250Val). In summary, the available evidence is currently insufficient to determine the role of this variant in disease. Therefore, it has been classified as a Variant of Uncertain Significance.